The following is an entry in ClinVar:

ClinVar aggregate classification (germline): Likely benign. Review status: criteria provided, multiple submitters, no conflicts (2 of 4 stars). 4 submissions from 4 submitters: Likely benign (3). 1 of the submissions does not count toward it. Last evaluated 2026-01-02.

Conditions:
AGK-related disorder. Also called: AGK-related disorders; AGK-related condition. Identifiers: MedGen CN239194.
Sengers syndrome. Also called: MITOCHONDRIAL DNA DEPLETION SYNDROME 10 (CARDIOMYOPATHIC TYPE); Cardiomyopathy and cataract. Identifiers: Orphanet 1369, MedGen C1859317, MONDO:0008922, OMIM 212350.
Cataract 38. Also called: Cataract, autosomal recessive congenital 5; Cataract 38, autosomal recessive. Identifiers: Orphanet 91492, MedGen C3553494, MONDO:0013859, OMIM 614691.

Allele frequency attached by ClinVar (database versions not stated): gnomAD exomes 0.00033; ExAC 0.00045; ESP Exome Variant Server 0.00146; gnomAD 0.00166; 1000 Genomes Project 30x 0.00172; 1000 Genomes Project 0.00180; TOPMed 0.00190.
gnomAD v4.1: 418 of 1,537,852 alleles (0.027%); highest among the groups gnomAD compares: African/African-American, 0.5%; 1 homozygote.

Submissions (4):

Labcorp Genetics (formerly Invitae), Labcorp
Classification: Likely benign for Sengers syndrome; Cataract 38. Last evaluated: 2026-01-02. Review status: criteria provided, single submitter. Criteria: Invitae Variant Classification Sherloc (09022015). Collection method: clinical testing. Allele origin: germline.

Blueprint Genetics
Classification: Likely benign. Last evaluated: 2024-05-02. Review status: criteria provided, single submitter. Criteria: ACMG Guidelines, 2015. Collection method: clinical testing. Allele origin: germline.

GeneDx
Classification: Likely benign. Last evaluated: 2020-08-27. Review status: criteria provided, single submitter. Criteria: GeneDx Variant Classification Process June 2021. Collection method: clinical testing. Allele origin: germline. Affected: yes.
Comment: This variant is associated with the following publications: (PMID: 28547000)

PreventionGenetics, part of Exact Sciences
Classification: Likely benign for AGK-related condition. Last evaluated: 2020-11-03. Review status: no assertion criteria provided. Collection method: clinical testing. Allele origin: germline. Not counted in ClinVar's aggregate classification.
Comment: This variant is classified as likely benign based on ACMG/AMP sequence variant interpretation guidelines (Richards et al. 2015 PMID: 25741868, with internal and published modifications).

NM_018238.4(AGK):c.416C>G (p.Thr139Arg)

Gene: AGK (acylglycerol kinase; plus strand). Cytogenetic location: 7q34.
Variant type: single nucleotide variant.
Coding change: c.416C>G on transcript NM_018238.4 (MANE Select); coding-DNA position 416, C replaced by G.
Protein change: p.Thr139Arg; replaces threonine 139 with arginine.
Molecular consequence: missense variant.
Genome position (GRCh38, 1-based): chr7:141,614,171, C>G. VCF-style: chr7-141614171-C-G. GRCh37 (hg19) VCF-style: chr7-141313971-C-G.
Other names: c.416C>G, p.Thr139Arg (NM_001364948.3); short protein forms T139R.
Identifiers: ClinVar variation 467794 (VCV000467794.16), dbSNP rs144706178, ClinGen allele CA4517429.